The following is an entry in ClinVar:

NM_003801.4(GPAA1):c.616+1G>A

Gene: GPAA1 (glycosylphosphatidylinositol anchor attachment 1; plus strand). Cytogenetic location: 8q24.3.
Variant type: single nucleotide variant.
Coding change: c.616+1G>A on transcript NM_003801.4 (MANE Select); the canonical splice donor site of the intron after coding-DNA position 616, G replaced by A.
Molecular consequence: splice donor variant.
Genome position (GRCh38, 1-based): chr8:144,084,041, G>A. VCF-style: chr8-144084041-G-A. GRCh37 (hg19) VCF-style: chr8-145138944-G-A.
Identifiers: ClinVar variation 2035789 (VCV002035789.4), dbSNP rs1554763955, ClinGen allele CA372599926.

ClinVar aggregate classification (germline): Likely pathogenic (1 of 4 stars; one submission).

Submission:

Labcorp Genetics (formerly Invitae), Labcorp
Classification: Likely pathogenic. Last evaluated: 2022-10-16. Review status: criteria provided, single submitter. Criteria: Invitae Variant Classification Sherloc (09022015). Collection method: clinical testing. Allele origin: germline.
Comment: This variant is not present in population databases (gnomAD no frequency). This sequence change affects a donor splice site in intron 5 of the GPAA1 gene. It is expected to disrupt RNA splicing. Variants that disrupt the donor or acceptor splice site typically lead to a loss of protein function (PMID: 16199547), and loss-of-function variants in GPAA1 are known to be pathogenic (PMID: 29100095). In summary, the currently available evidence indicates that the variant is pathogenic, but additional data are needed to prove that conclusively. Therefore, this variant has been classified as Likely Pathogenic. Algorithms developed to predict the effect of sequence changes on RNA splicing suggest that this variant may disrupt the consensus splice site. This variant has not been reported in the literature in individuals affected with GPAA1-related conditions.

Literature cited by the submitters: PubMed 16199547; PubMed 29100095.